The following is an entry in ClinVar:

NM_181784.3(SPRED2):c.1101C>T (p.Cys367=)

Gene: SPRED2 (sprouty related EVH1 domain containing 2; minus strand). Cytogenetic location: 2p14.
Variant type: single nucleotide variant.
Coding change: c.1101C>T on transcript NM_181784.3 (MANE Select); coding-DNA position 1101, C replaced by T.
Protein change: p.Cys367=; no amino-acid change (cysteine 367 retained).
Molecular consequence: synonymous variant.
Genome position (GRCh38, 1-based): chr2:65,313,657, G>A on the plus strand (C>T on the coding strand, the complement: SPRED2 is on the minus strand). VCF-style: chr2-65313657-G-A. GRCh37 (hg19) VCF-style: chr2-65540791-G-A.
Other names: c.1092C>T, p.Cys364= (NM_001128210.2).
Identifiers: ClinVar variation 3777927 (VCV003777927.7).

ClinVar aggregate classification (germline): Likely benign (1 of 4 stars; one submission).

gnomAD v4.1: 7 of 1,614,174 alleles (0.00043%); highest among the groups gnomAD compares: South Asian, 0.0077%; no homozygotes.

Submission:

CeGaT Center for Human Genetics Tuebingen
Classification: Likely benign. Last evaluated: 2025-03-01. Review status: criteria provided, single submitter. Criteria: CeGaT Center For Human Genetics Tuebingen Variant Classification Criteria Version 2. Collection method: clinical testing. Allele origin: germline. Affected: yes. Observed: 1 variant allele.
Comment: SPRED2: BP4, BP7